The following is an entry in ClinVar:

NM_000435.3(NOTCH3):c.751T>C (p.Cys251Arg)

Gene: NOTCH3 (notch receptor 3; minus strand). Cytogenetic location: 19p13.12.
Variant type: single nucleotide variant.
Coding change: c.751T>C on transcript NM_000435.3 (MANE Select); coding-DNA position 751, T replaced by C.
Protein change: p.Cys251Arg; replaces cysteine 251 with arginine.
Molecular consequence: missense variant.
Genome position (GRCh38, 1-based): chr19:15,191,796, A>G on the plus strand (T>C on the coding strand, the complement: NOTCH3 is on the minus strand). VCF-style: chr19-15191796-A-G. GRCh37 (hg19) VCF-style: chr19-15302607-A-G.
Other names: short protein forms C251R.
Identifiers: ClinVar variation 585613 (VCV000585613.12), dbSNP rs1568361608, ClinGen allele CA404532533.
Genomic context (GRCh38, chr19:15,191,796, plus strand): 5'-AGTGCCCACCTGTCCACTCAGGAGGGCACTGGCAGTTATAGGTGTTGACGCCATCCACGC[A>G]TGTCCCCCCATTGAGACATCGGTGTCCTGGACAGTCGTCCACGTTCACTTCACAATTCTG-3'
Protein context (NP_000426.2, residues 241-261): PGHRCLNGGT[Cys251Arg]VDGVNTYNCQ

ClinVar aggregate classification (germline): Pathogenic. Review status: criteria provided, multiple submitters, no conflicts (2 of 4 stars). 5 submissions from 5 submitters: Pathogenic (5). Last evaluated 2025-10-21.

Conditions:
NOTCH3-related disorder. Also called: NOTCH3-related condition; NOTCH3-related disorders.
Cerebral arteriopathy, autosomal dominant, with subcortical infarcts and leukoencephalopathy, type 1 (CADASIL1). Also called: CASIL; Cerebral arteriopathy with subcortical infarcts and leukoencephalopathy 1; DEMENTIA, HEREDITARY MULTIINFARCT TYPE; CADASIL 1. Identifiers: Orphanet 136, MedGen C4551768, MONDO:0000914, OMIM 125310.

Submissions (5):

NHS Central & South Genomic Laboratory Hub
Classification: Pathogenic for CADASIL. Last evaluated: 2025-10-21. Review status: criteria provided, single submitter. Criteria: ACMG Guidelines, 2015. Collection method: clinical testing. Allele origin: germline. Affected: yes.

Blueprint Genetics
Classification: Pathogenic for NOTCH3-related disorders. Last evaluated: 2024-09-20. Review status: criteria provided, single submitter. Criteria: ACMG Guidelines, 2015. Collection method: clinical testing. Allele origin: germline. Affected: yes. Observed: 1 variant allele.

Labcorp Genetics (formerly Invitae), Labcorp
Classification: Pathogenic. Last evaluated: 2024-05-23. Review status: criteria provided, single submitter. Criteria: Invitae Variant Classification Sherloc (09022015). Collection method: clinical testing. Allele origin: germline.
Comment: This sequence change replaces cysteine, which is neutral and slightly polar, with arginine, which is basic and polar, at codon 251 of the NOTCH3 protein (p.Cys251Arg). This variant is not present in population databases (gnomAD no frequency). This missense change has been observed in individuals with cerebral arteriopathy with subcortical infarcts and leukoencephalopathy 1 (PMID: 12395806, 22664156; external communication). ClinVar contains an entry for this variant (Variation ID: 585613). Advanced modeling of protein sequence and biophysical properties (such as structural, functional, and spatial information, amino acid conservation, physicochemical variation, residue mobility, and thermodynamic stability) performed at Invitae indicates that this missense variant is expected to disrupt NOTCH3 protein function with a positive predictive value of 95%. This variant disrupts the p.Cys251 amino acid residue in NOTCH3. Other variant(s) that disrupt this residue have been determined to be pathogenic (PMID: 14710716, 28534048; Invitae). This suggests that this residue is clinically significant, and that variants that disrupt this residue are likely to be disease-causing. For these reasons, this variant has been classified as Pathogenic.

Athena Diagnostics
Classification: Pathogenic. Last evaluated: 2024-01-31. Review status: criteria provided, single submitter. Criteria: Athena Diagnostics Criteria. Collection method: clinical testing. Allele origin: unknown.
Comment: This variant has been identified in multiple unrelated individuals with clinical features associated with CADASIL. This variant has not been reported in large, multi-ethnic general populations. This variant alters a critical location within the protein, and is expected to severely affect function and cause disease. Greater than 90% of NOTCH3 pathogenic variants associated with CADASIL involve the gain or loss of a cysteine residue within the epidermal growth factor (EGF)-like repeat domain (PMID: 32457593, 20301673).

Institute of Medical Genetics and Applied Genomics, University Hospital Tübingen
Classification: Pathogenic for Cerebral arteriopathy, autosomal dominant, with subcortical infarcts and leukoencephalopathy, type 1. Last evaluated: 2023-01-31. Review status: criteria provided, single submitter. Criteria: ACMG Guidelines, 2015. Collection method: clinical testing. Allele origin: germline. Inheritance: Autosomal dominant inheritance. Affected: yes.

Literature cited by the submitters: PubMed 12395806 (cited by Labcorp Genetics (formerly Invitae), Labcorp and Athena Diagnostics); PubMed 22664156 (cited by Labcorp Genetics (formerly Invitae), Labcorp and Athena Diagnostics); PubMed 14710716 (cited by Labcorp Genetics (formerly Invitae), Labcorp); PubMed 28534048 (cited by Labcorp Genetics (formerly Invitae), Labcorp); PubMed 12146805 (cited by Athena Diagnostics); PubMed 15229130 (cited by Athena Diagnostics); PubMed 28710804 (cited by Athena Diagnostics); PubMed 29370179 (cited by Athena Diagnostics); PubMed 19174371 (cited by Athena Diagnostics); PubMed 36221938 (cited by Athena Diagnostics).